The following is an entry in ClinVar:

ClinVar aggregate classification (germline): Uncertain significance. Review status: criteria provided, single submitter (1 of 4 stars). 2 submissions from 2 submitters: Uncertain significance (1). 1 of the submissions does not count toward it. Last evaluated 2022-08-12.

Conditions:
Congenital myasthenic syndrome (CMS). Also called: Congenital Myasthenic Syndromes. Identifiers: Orphanet 590, MedGen C0751882, MeSH D020294, MONDO:0018940.
Fetal akinesia deformation sequence 1 (FADS1). Also called: Fetal akinesia sequence; Pena-Shokeir syndrome type I. Identifiers: Orphanet 994, MedGen C1276035, MONDO:0100101, OMIM 208150, HP:0001989.
Congenital myasthenic syndrome 11. Also called: Myasthenic syndrome, congenital, 11, associated with acetylcholine receptor deficiency; MYASTHENIC SYNDROME, CONGENITAL, Ie. Identifiers: Orphanet 590, MedGen C4225367, MONDO:0014588, OMIM 616326.

Allele frequency attached by ClinVar (database versions not stated): gnomAD 0.00001; TOPMed 0.00001; ExAC 0.00002; gnomAD exomes 0.00002.
gnomAD v4.1: 26 of 1,614,132 alleles (0.0016%); highest among the groups gnomAD compares: East Asian, 0.0089%; no homozygotes.

Submissions (2):

Labcorp Genetics (formerly Invitae), Labcorp
Classification: Uncertain significance for Congenital myasthenic syndrome 11; Fetal akinesia deformation sequence 1. Last evaluated: 2022-08-12. Review status: criteria provided, single submitter. Criteria: Invitae Variant Classification Sherloc (09022015). Collection method: clinical testing. Allele origin: germline.
Comment: This sequence change replaces arginine, which is basic and polar, with tryptophan, which is neutral and slightly polar, at codon 205 of the RAPSN protein (p.Arg205Trp). This variant is present in population databases (rs756738642, gnomAD 0.02%). This variant has not been reported in the literature in individuals affected with RAPSN-related conditions. ClinVar contains an entry for this variant (Variation ID: 1034454). Algorithms developed to predict the effect of missense changes on protein structure and function are either unavailable or do not agree on the potential impact of this missense change (SIFT: "Deleterious"; PolyPhen-2: "Probably Damaging"; Align-GVGD: "Class C0"). In summary, the available evidence is currently insufficient to determine the role of this variant in disease. Therefore, it has been classified as a Variant of Uncertain Significance.

Natera, Inc.
Classification: Uncertain significance for Congenital myasthenic syndrome. Last evaluated: 2021-03-24. Review status: no assertion criteria provided. Collection method: clinical testing. Allele origin: germline. Not counted in ClinVar's aggregate classification.

NM_005055.5(RAPSN):c.613C>T (p.Arg205Trp)

Gene: RAPSN (receptor associated protein of the synapse; minus strand). Cytogenetic location: 11p11.2.
Variant type: single nucleotide variant.
Coding change: c.613C>T on transcript NM_005055.5 (MANE Select); coding-DNA position 613, C replaced by T.
Protein change: p.Arg205Trp; replaces arginine 205 with tryptophan.
Molecular consequence: missense variant.
Genome position (GRCh38, 1-based): chr11:47,442,733, G>A on the plus strand (C>T on the coding strand, the complement: RAPSN is on the minus strand). VCF-style: chr11-47442733-G-A. GRCh37 (hg19) VCF-style: chr11-47464285-G-A.
Other names: c.613C>T, p.Arg205Trp (NM_032645.5); short protein forms R205W.
Identifiers: ClinVar variation 1034454 (VCV001034454.7), dbSNP rs756738642, ClinGen allele CA5976696.
Genomic context (GRCh38, chr11:47,442,733, plus strand): 5'-CACTGCCCAGGCGGCCCAGCAGGCGATAGGCCACGGCCATGTGGTACTGGCTCATGGCCC[G>A]GTACTTCAGGCTCCAGCCTTTGCCATAGTTGTTGACAAGCTCTGCCGCCTTGCAGGGGAA-3'
Protein context (NP_005046.2, residues 195-215): NYGKGWSLKY[Arg205Trp]AMSQYHMAVA